The following is an entry in ClinVar:

ClinVar aggregate classification (germline): Uncertain significance (1 of 4 stars; one submission).

Conditions:
POLD1-related polyposis and colorectal cancer syndrome (CRCS10). Also called: Colorectal cancer 10; Colorectal cancer, susceptibility to, 10; COLORECTAL CANCER, SUSCEPTIBILITY TO, ON CHROMOSOME 19q. Identifiers: Orphanet 220460, MedGen C2675481, MONDO:0012953, OMIM 612591.

Submission:

Labcorp Genetics (formerly Invitae), Labcorp
Classification: Uncertain significance for POLD1-related polyposis and colorectal cancer syndrome. Last evaluated: 2023-07-30. Review status: criteria provided, single submitter. Criteria: Invitae Variant Classification Sherloc (09022015). Collection method: clinical testing. Allele origin: germline.
Comment: This sequence change replaces isoleucine, which is neutral and non-polar, with leucine, which is neutral and non-polar, at codon 1078 of the POLD1 protein (p.Ile1078Leu). In summary, the available evidence is currently insufficient to determine the role of this variant in disease. Therefore, it has been classified as a Variant of Uncertain Significance. Advanced modeling of protein sequence and biophysical properties (such as structural, functional, and spatial information, amino acid conservation, physicochemical variation, residue mobility, and thermodynamic stability) has been performed at Invitae for this missense variant, however the output from this modeling did not meet the statistical confidence thresholds required to predict the impact of this variant on POLD1 protein function. This variant has not been reported in the literature in individuals affected with POLD1-related conditions. This variant is not present in population databases (gnomAD no frequency).

NM_002691.4(POLD1):c.3232A>C (p.Ile1078Leu)

Gene: POLD1 (DNA polymerase delta 1, catalytic subunit; plus strand). Cytogenetic location: 19q13.33.
Variant type: single nucleotide variant.
Coding change: c.3232A>C on transcript NM_002691.4 (MANE Select); coding-DNA position 3232, A replaced by C.
Protein change: p.Ile1078Leu; replaces isoleucine 1078 with leucine.
Molecular consequence: missense variant. On other transcripts: non-coding transcript variant (1).
Genome position (GRCh38, 1-based): chr19:50,417,855, A>C. VCF-style: chr19-50417855-A-C. GRCh37 (hg19) VCF-style: chr19-50921112-A-C.
Other names: c.3232A>C, p.Ile1078Leu (NM_001256849.1); c.3310A>C, p.Ile1104Leu (NM_001308632.1); short protein forms I1078L, I1104L.
Identifiers: ClinVar variation 2748402 (VCV002748402.3), dbSNP rs1060501852, ClinGen allele CA406987703.